The following is an entry in ClinVar:

ClinVar aggregate classification (germline): Uncertain significance (1 of 4 stars; one submission).

Submission:

GeneDx
Classification: Uncertain significance. Last evaluated: 2022-11-15. Review status: criteria provided, single submitter. Criteria: GeneDx Variant Classification Process June 2021. Collection method: clinical testing. Allele origin: germline. Affected: yes.
Comment: Not observed at significant frequency in large population cohorts (gnomAD); In silico analysis supports that this missense variant does not alter protein structure/function; Has not been previously published as pathogenic or benign to our knowledge

NM_001384140.1(PCDH15):c.3671C>T (p.Ala1224Val)

Gene: PCDH15 (protocadherin related 15; minus strand). Cytogenetic location: 10q21.1.
Variant type: single nucleotide variant.
Coding change: c.3671C>T on transcript NM_001384140.1 (MANE Select); coding-DNA position 3671, C replaced by T.
Protein change: p.Ala1224Val; replaces alanine 1224 with valine.
Molecular consequence: missense variant.
Genome position (GRCh38, 1-based): chr10:53,866,688, G>A on the plus strand (C>T on the coding strand, the complement: PCDH15 is on the minus strand). VCF-style: chr10-53866688-G-A. GRCh37 (hg19) VCF-style: chr10-55626448-G-A.
Other names: c.3686C>T, p.Ala1229Val (NM_001142763.2, NM_001142771.2); c.3671C>T, p.Ala1224Val (NM_001142764.2, NM_001142766.2, NM_001142770.3 and 4 more transcripts); c.3458C>T, p.Ala1153Val (NM_001142765.2); c.3560C>T, p.Ala1187Val (NM_001142767.2); c.3605C>T, p.Ala1202Val (NM_001142768.2, NM_001142773.2, NM_001354404.2); c.3707C>T, p.Ala1236Val (NM_001142769.4); c.3692C>T, p.Ala1231Val (NM_001354411.2); short protein forms A1153V, A1187V, A1202V, A1224V, A1229V, A1231V, A1236V.
Identifiers: ClinVar variation 2502119 (VCV002502119.1), dbSNP rs2493334629, ClinGen allele CA376516659.